The following is an entry in ClinVar:

ClinVar aggregate classification (germline): Conflicting classifications of pathogenicity. Review status: criteria provided, conflicting classifications (1 of 4 stars). 3 submissions from 3 submitters: Uncertain significance (1); Benign (1). 1 of the submissions does not count toward it. Last evaluated 2025-12-25.

Conditions:
Spastic paraplegia. Identifiers: MedGen C0037772, HP:0001258.
ARSI-related disorder. Also called: ARSI-related condition.

Allele frequency attached by ClinVar (database versions not stated): gnomAD exomes 0.00018; ExAC 0.00055; 1000 Genomes Project 0.00180; gnomAD 0.00180; 1000 Genomes Project 30x 0.00187; TOPMed 0.00199; ESP Exome Variant Server 0.00231.

Submissions (3):

Labcorp Genetics (formerly Invitae), Labcorp
Classification: Benign for Spastic paraplegia. Last evaluated: 2025-12-25. Review status: criteria provided, single submitter. Criteria: Invitae Variant Classification Sherloc (09022015). Collection method: clinical testing. Allele origin: germline.

Ambry Genetics
Classification: Uncertain significance. Last evaluated: 2025-08-02. Review status: criteria provided, single submitter. Criteria: Ambry Variant Classification Scheme 2023. Collection method: clinical testing. Allele origin: germline.

PreventionGenetics, part of Exact Sciences
Classification: Likely benign for ARSI-related condition. Last evaluated: 2019-09-18. Review status: no assertion criteria provided. Collection method: clinical testing. Allele origin: germline. Not counted in ClinVar's aggregate classification.
Comment: This variant is classified as likely benign based on ACMG/AMP sequence variant interpretation guidelines (Richards et al. 2015 PMID: 25741868, with internal and published modifications).

NM_001012301.4(ARSI):c.1007G>A (p.Arg336Gln)

Gene: ARSI (arylsulfatase family member I; minus strand). Cytogenetic location: 5q32.
Variant type: single nucleotide variant.
Coding change: c.1007G>A on transcript NM_001012301.4 (MANE Select); coding-DNA position 1007, G replaced by A.
Protein change: p.Arg336Gln; replaces arginine 336 with glutamine.
Molecular consequence: missense variant.
Genome position (GRCh38, 1-based): chr5:150,297,917, C>T on the plus strand (G>A on the coding strand, the complement: ARSI is on the minus strand). VCF-style: chr5-150297917-C-T. GRCh37 (hg19) VCF-style: chr5-149677480-C-T.
Other names: c.1007G>A (NM_001012301.2, NM_001012301.3); short protein forms R336Q.
Identifiers: ClinVar variation 1980520 (VCV001980520.7), dbSNP rs143451969, ClinGen allele CA3510190.